The following is an entry in ClinVar:

ClinVar aggregate classification (germline): Uncertain significance. Review status: criteria provided, multiple submitters, no conflicts (2 of 4 stars). 2 submissions from 2 submitters: Uncertain significance (2). Last evaluated 2025-07-27.

Conditions:
Hereditary cancer-predisposing syndrome. Also called: Neoplastic Syndromes, Hereditary; Tumor predisposition; Hereditary Cancer Syndrome; Hereditary neoplastic syndrome. Identifiers: Orphanet 140162, MedGen C0027672, MeSH D009386, MONDO:0015356.
Familial adenomatous polyposis 1 (FAP1). Also called: FAMILIAL ADENOMATOUS POLYPOSIS 1, ATTENUATED; POLYPOSIS, ADENOMATOUS INTESTINAL. Identifiers: MedGen C2713442, MONDO:0021056, OMIM 175100. Disease mechanism: loss of function.

Submissions (2):

Labcorp Genetics (formerly Invitae), Labcorp
Classification: Uncertain significance for Familial adenomatous polyposis 1. Last evaluated: 2025-07-27. Review status: criteria provided, single submitter. Criteria: Invitae Variant Classification Sherloc (09022015). Collection method: clinical testing. Allele origin: germline.
Comment: This sequence change replaces lysine, which is basic and polar, with glutamic acid, which is acidic and polar, at codon 939 of the APC protein (p.Lys939Glu). This variant is not present in population databases (gnomAD no frequency). This variant has not been reported in the literature in individuals affected with APC-related conditions. ClinVar contains an entry for this variant (Variation ID: 925118). Invitae Evidence Modeling of protein sequence and biophysical properties (such as structural, functional, and spatial information, amino acid conservation, physicochemical variation, residue mobility, and thermodynamic stability) indicates that this missense variant is not expected to disrupt APC protein function with a negative predictive value of 95%. In summary, the available evidence is currently insufficient to determine the role of this variant in disease. Therefore, it has been classified as a Variant of Uncertain Significance.

Color Diagnostics, LLC DBA Color Health
Classification: Uncertain significance for Hereditary cancer-predisposing syndrome. Last evaluated: 2023-12-04. Review status: criteria provided, single submitter. Criteria: ACMG Guidelines, 2015. Collection method: clinical testing. Allele origin: germline.
Comment: This missense variant replaces lysine with glutamic acid at codon 939 of the APC protein. Computational prediction suggests that this variant may not impact protein structure and function (internally defined REVEL score threshold <= 0.5, PMID: 27666373). To our knowledge, functional studies have not been reported for this variant. This variant has not been reported in individuals affected with APC-related disorders in the literature. This variant has not been identified in the general population by the Genome Aggregation Database (gnomAD). The available evidence is insufficient to determine the role of this variant in disease conclusively. Therefore, this variant is classified as a Variant of Uncertain Significance.

NM_000038.6(APC):c.2815A>G (p.Lys939Glu)

Gene: APC (APC regulator of Wnt signaling pathway; plus strand). Cytogenetic location: 5q22.2.
Variant type: single nucleotide variant.
Coding change: c.2815A>G on transcript NM_000038.6 (MANE Select); coding-DNA position 2815, A replaced by G.
Protein change: p.Lys939Glu; replaces lysine 939 with glutamic acid.
Molecular consequence: missense variant.
Genome position (GRCh38, 1-based): chr5:112,838,409, A>G. VCF-style: chr5-112838409-A-G. GRCh37 (hg19) VCF-style: chr5-112174106-A-G.
Other names: c.2815A>G, p.Lys939Glu (NM_001127510.3, NM_001354895.2); c.2761A>G, p.Lys921Glu (NM_001127511.3); c.2869A>G, p.Lys957Glu (NM_001354896.2); c.2845A>G, p.Lys949Glu (NM_001354897.2); c.2740A>G, p.Lys914Glu (NM_001354898.2); c.2731A>G, p.Lys911Glu (NM_001354899.2); c.2692A>G, p.Lys898Glu (NM_001354900.2); c.2638A>G, p.Lys880Glu (NM_001354901.2); and 5 more; short protein forms K656E, K838E, K848E, K911E, K914E, K949E, K779E, K813E.
Identifiers: ClinVar variation 925118 (VCV000925118.7), dbSNP rs1765271867, ClinGen allele CA16027470.